The following is an entry in ClinVar:

ClinVar aggregate classification (germline): Likely benign. Review status: criteria provided, multiple submitters, no conflicts (2 of 4 stars). 2 submissions from 2 submitters: Likely benign (2). Last evaluated 2025-09-29.

Conditions:
Familial Mediterranean fever (FMF). Also called: Periodic peritonitis; Benign paroxysmal peritonitis; POLYSEROSITIS, FAMILIAL PAROXYSMAL; POLYSEROSITIS, RECURRENT. Identifiers: Orphanet 342, MedGen C0031069, MONDO:0018088, OMIM 249100. Disease mechanism: gain of function.

Allele frequency attached by ClinVar (database versions not stated): gnomAD exomes below 0.00001 and 0.00001; TOPMed below 0.00001; gnomAD 0.00001.
gnomAD v4.1: 19 of 1,606,824 alleles (0.0012%); highest among the groups gnomAD compares: Non-Finnish European, 0.0016%; no homozygotes.

Submissions (2):

Labcorp Genetics (formerly Invitae), Labcorp
Classification: Likely benign for Familial Mediterranean fever. Last evaluated: 2025-09-29. Review status: criteria provided, single submitter. Criteria: Invitae Variant Classification Sherloc (09022015). Collection method: clinical testing. Allele origin: germline.

CeGaT Center for Human Genetics Tuebingen
Classification: Likely benign. Last evaluated: 2025-08-01. Review status: criteria provided, single submitter. Criteria: CeGaT Center For Human Genetics Tuebingen Variant Classification Criteria Version 2. Collection method: clinical testing. Allele origin: germline. Affected: yes. Observed: 1 variant allele.
Comment: MEFV: BP4, BP7

NM_000243.3(MEFV):c.612C>T (p.Arg204=)

Gene: MEFV (MEFV innate immunity regulator, pyrin; minus strand). Cytogenetic location: 16p13.3.
Variant type: single nucleotide variant.
Coding change: c.612C>T on transcript NM_000243.3 (MANE Select); coding-DNA position 612, C replaced by T.
Protein change: p.Arg204=; no amino-acid change (arginine 204 retained).
Molecular consequence: synonymous variant. On other transcripts: intron variant (1).
Genome position (GRCh38, 1-based): chr16:3,254,456, G>A on the plus strand (C>T on the coding strand, the complement: MEFV is on the minus strand). VCF-style: chr16-3254456-G-A. GRCh37 (hg19) VCF-style: chr16-3304456-G-A.
Other names: c.277+1855C>T (NM_001198536.2).
Identifiers: ClinVar variation 1568247 (VCV001568247.16), dbSNP rs1006819766, ClinGen allele CA276902532.